The following is an entry in ClinVar:

NM_000836.4(GRIN2D):c.3812C>T (p.Ser1271Leu)

Gene: GRIN2D (glutamate ionotropic receptor NMDA type subunit 2D; plus strand). Cytogenetic location: 19q13.33.
Variant type: single nucleotide variant.
Coding change: c.3812C>T on transcript NM_000836.4 (MANE Select); coding-DNA position 3812, C replaced by T.
Protein change: p.Ser1271Leu; replaces serine 1271 with leucine.
Molecular consequence: missense variant.
Genome position (GRCh38, 1-based): chr19:48,443,738, C>T. VCF-style: chr19-48443738-C-T. GRCh37 (hg19) VCF-style: chr19-48946995-C-T.
Other names: short protein forms S1271L.
Identifiers: ClinVar variation 1325738 (VCV001325738.3), dbSNP rs1971341588, ClinGen allele CA406678365.
Genomic context (GRCh38, chr19:48,443,738, plus strand): 5'-ACAGGCACCGGCGCGCCGCTGGGGGCTGGGACCTCCCGCCGCCCGCGCCCACCTCGCGCT[C>T]GCTCGAGGACCTCAGCTCGTGCCCTCGCGCCGCCCCTGCGCGCAGGCTTACCGGGCCCTC-3'
Protein context (NP_000827.2, residues 1261-1281): DLPPPAPTSR[Ser1271Leu]LEDLSSCPRA

ClinVar aggregate classification (germline): Conflicting classifications of pathogenicity. Review status: criteria provided, conflicting classifications (1 of 4 stars). 2 submissions from 2 submitters: Likely pathogenic (1); Uncertain significance (1). Last evaluated 2024-06-13.

Conditions:
Developmental and epileptic encephalopathy, 46 (DEE46). Also called: GRIN2D-Related Developmental and Epileptic Encephalopathy; Epileptic encephalopathy, early infantile, 46. Identifiers: MedGen C4310687, MONDO:0014947, OMIM 617162.

Allele frequency attached by ClinVar (database versions not stated): TOPMed below 0.00001.

Submissions (2):

Labcorp Genetics (formerly Invitae), Labcorp
Classification: Uncertain significance. Last evaluated: 2024-06-13. Review status: criteria provided, single submitter. Criteria: Invitae Variant Classification Sherloc (09022015). Collection method: clinical testing. Allele origin: germline.
Comment: This sequence change replaces serine, which is neutral and polar, with leucine, which is neutral and non-polar, at codon 1271 of the GRIN2D protein (p.Ser1271Leu). This variant is not present in population databases (gnomAD no frequency). This missense change has been observed in individual(s) with developmental and epileptic encephalopathy (PMID: 31504254). ClinVar contains an entry for this variant (Variation ID: 1325738). Advanced modeling of protein sequence and biophysical properties (such as structural, functional, and spatial information, amino acid conservation, physicochemical variation, residue mobility, and thermodynamic stability) performed at Invitae indicates that this missense variant is not expected to disrupt GRIN2D protein function with a negative predictive value of 95%. Experimental studies have shown that this missense change affects GRIN2D function (PMID: 31504254). In summary, the available evidence is currently insufficient to determine the role of this variant in disease. Therefore, it has been classified as a Variant of Uncertain Significance.

Institute of Human Genetics, University of Leipzig Medical Center
Classification: Likely pathogenic for Developmental and epileptic encephalopathy, 46. Last evaluated: 2019-10-01. Review status: criteria provided, single submitter. Criteria: ACMG Guidelines, 2015. Collection method: research. Allele origin: de novo. Affected: yes.

Literature cited by the submitters: PubMed 31504254 (cited by Labcorp Genetics (formerly Invitae), Labcorp and Institute of Human Genetics, University of Leipzig Medical Center).